The following is an entry in ClinVar:

ClinVar aggregate classification (germline): Uncertain significance (1 of 4 stars; one submission).

Conditions:
Baller-Gerold syndrome (BGS). Also called: CRANIOSYNOSTOSIS WITH RADIAL DEFECTS. Identifiers: Orphanet 1225, MedGen C0265308, MONDO:0009039, OMIM 218600.

Submission:

Labcorp Genetics (formerly Invitae), Labcorp
Classification: Uncertain significance for Baller-Gerold syndrome. Last evaluated: 2020-11-16. Review status: criteria provided, single submitter. Criteria: Invitae Variant Classification Sherloc (09022015). Collection method: clinical testing. Allele origin: germline.
Comment: In summary, the available evidence is currently insufficient to determine the role of this variant in disease. Therefore, it has been classified as a Variant of Uncertain Significance. Experimental studies and prediction algorithms are not available or were not evaluated, and the functional significance of this variant is currently unknown. This variant has not been reported in the literature in individuals with RECQL4-related conditions. The frequency data for this variant in the population databases is not available, as this variant may be reported as separate entries in the ExAC database. This sequence change replaces alanine with phenylalanine at codon 958 of the RECQL4 protein (p.Ala958Phe). The alanine residue is highly conserved and there is a moderate physicochemical difference between alanine and phenylalanine.

NM_004260.4(RECQL4):c.2872_2873delinsTT (p.Ala958Phe)

Gene: RECQL4 (RecQ like helicase 4; minus strand). Cytogenetic location: 8q24.3.
Variant type: Indel.
Coding change: c.2872_2873delinsTT on transcript NM_004260.4 (MANE Select); coding-DNA positions 2872 to 2873, GC replaced by TT.
Protein change: p.Ala958Phe; replaces alanine 958 with phenylalanine.
Molecular consequence: missense variant.
Genome position (GRCh38, 1-based): chr8:144,512,654-144,512,655, GC replaced by AA on the plus strand (GC replaced by TT on the coding strand, the reverse complement: RECQL4 is on the minus strand). VCF-style: chr8-144512654-GC-AA. GRCh37 (hg19) VCF-style: chr8-145738037-GC-AA.
Other names: short protein forms A958F.
Identifiers: ClinVar variation 1449117 (VCV001449117.6), dbSNP rs2130665884, ClinGen allele CA2573143065.